The following is an entry in ClinVar:

NM_004663.5(RAB11A):c.520C>T (p.Arg174Cys)

Gene: RAB11A (RAB11A, member RAS oncogene family; plus strand). Cytogenetic location: 15q22.31.
Variant type: single nucleotide variant.
Coding change: c.520C>T on transcript NM_004663.5 (MANE Select); coding-DNA position 520, C replaced by T.
Protein change: p.Arg174Cys; replaces arginine 174 with cysteine.
Molecular consequence: missense variant. On other transcripts: intron variant (1).
Genome position (GRCh38, 1-based): chr15:65,887,709, C>T. VCF-style: chr15-65887709-C-T. GRCh37 (hg19) VCF-style: chr15-66180047-C-T.
Other names: c.440-15C>T (NM_001206836.2); short protein forms R174C.
Identifiers: ClinVar variation 3429021 (VCV003429021.3).

ClinVar aggregate classification (germline): Uncertain significance. Review status: criteria provided, multiple submitters, no conflicts (2 of 4 stars). 2 submissions from 2 submitters: Uncertain significance (2). Last evaluated 2024-10-07.

gnomAD v4.1: 5 of 1,610,454 alleles (0.00031%); highest among the groups gnomAD compares: South Asian, 0.0022%; no homozygotes.

Submissions (2):

Ambry Genetics
Classification: Uncertain significance. Last evaluated: 2024-10-07. Review status: criteria provided, single submitter. Criteria: Ambry Variant Classification Scheme 2023. Collection method: clinical testing. Allele origin: germline.

Labcorp Genetics (formerly Invitae), Labcorp
Classification: Uncertain significance. Last evaluated: 2024-08-17. Review status: criteria provided, single submitter. Criteria: Invitae Variant Classification Sherloc (09022015). Collection method: clinical testing. Allele origin: germline.
Comment: This sequence change replaces arginine, which is basic and polar, with cysteine, which is neutral and slightly polar, at codon 174 of the RAB11A protein (p.Arg174Cys). This variant is present in population databases (no rsID available, gnomAD no frequency). This variant has not been reported in the literature in individuals affected with RAB11A-related conditions. An algorithm developed to predict the effect of missense changes on protein structure and function (PolyPhen-2) suggests that this variant is likely to be disruptive. In summary, the available evidence is currently insufficient to determine the role of this variant in disease. Therefore, it has been classified as a Variant of Uncertain Significance.